The following is an entry in ClinVar:

ClinVar aggregate classification (germline): Benign/Likely benign. Review status: criteria provided, multiple submitters, no conflicts (2 of 4 stars). 4 submissions from 4 submitters: Benign (2); Likely benign (2). Last evaluated 2026-01-27.

Allele frequency attached by ClinVar (database versions not stated): TOPMed 0.00250; ESP Exome Variant Server 0.00277; 1000 Genomes Project 30x 0.00390; 1000 Genomes Project 0.00399.
gnomAD v4.1: 755 of 1,610,726 alleles (0.047%); highest among the groups gnomAD compares: African/African-American, 0.85%; 7 homozygotes.

Submissions (4):

Labcorp Genetics (formerly Invitae), Labcorp
Classification: Benign. Last evaluated: 2026-01-27. Review status: criteria provided, single submitter. Criteria: Invitae Variant Classification Sherloc (09022015). Collection method: clinical testing. Allele origin: germline.

Mayo Clinic Laboratories, Mayo Clinic
Classification: Likely benign. Last evaluated: 2024-11-29. Review status: criteria provided, single submitter. Criteria: ACMG Guidelines, 2015. Collection method: clinical testing. Allele origin: germline. Observed: 1 variant allele.
Comment: BS1, BP4, BP7

Blueprint Genetics
Classification: Likely benign. Last evaluated: 2024-10-18. Review status: criteria provided, single submitter. Criteria: ACMG Guidelines, 2015. Collection method: clinical testing. Allele origin: germline.

Breakthrough Genomics
Classification: Benign. Review status: criteria provided, single submitter. Criteria: ACMG Guidelines, 2015. Collection method: not provided. Allele origin: germline. Inheritance: Autosomal recessive inheritance. Affected: yes.

NM_001171.6(ABCC6):c.1943+10G>C

Gene: ABCC6 (ATP binding cassette subfamily C member 6; minus strand). Cytogenetic location: 16p13.11.
Variant type: single nucleotide variant.
Coding change: c.1943+10G>C on transcript NM_001171.6 (MANE Select); 10 bases into the intron after coding-DNA position 1943, G replaced by C.
Molecular consequence: intron variant.
Genome position (GRCh38, 1-based): chr16:16,184,949, C>G on the plus strand (G>C on the coding strand, the complement: ABCC6 is on the minus strand). VCF-style: chr16-16184949-C-G. GRCh37 (hg19) VCF-style: chr16-16278806-C-G.
Other names: p.?; c.1601+10G>C (NM_001351800.1).
Identifiers: ClinVar variation 710347 (VCV000710347.13), dbSNP rs116092959, ClinGen allele CA7926101.